The following is an entry in ClinVar:

NM_003998.4(NFKB1):c.1710G>C (p.Leu570Phe)

Genes: NFKB1 (nuclear factor kappa B subunit 1; plus strand), LOC126807127 (CDK7 strongly-dependent group 2 enhancer GRCh37_chr4:103521788-103522987; plus strand). Cytogenetic location: 4q24.
Variant type: single nucleotide variant.
Coding change: c.1710G>C on transcript NM_003998.4 (MANE Select); coding-DNA position 1710, G replaced by C.
Protein change: p.Leu570Phe; replaces leucine 570 with phenylalanine.
Molecular consequence: missense variant.
Genome position (GRCh38, 1-based): chr4:102,600,967, G>C. VCF-style: chr4-102600967-G-C. GRCh37 (hg19) VCF-style: chr4-103522124-G-C.
Other names: c.1707G>C, p.Leu569Phe (NM_001165412.2, NM_001319226.2, NM_001382627.1); c.1710G>C, p.Leu570Phe (NM_001382625.1, NM_001382626.1); c.1668G>C, p.Leu556Phe (NM_001382628.1); short protein forms L556F, L570F, L569F.
Identifiers: ClinVar variation 1499498 (VCV001499498.8), dbSNP rs200626732, ClinGen allele CA357751713.

ClinVar aggregate classification (germline): Uncertain significance (1 of 4 stars; one submission).

gnomAD v4.1: 2 of 1,611,426 alleles (0.00012%); highest among the groups gnomAD compares: Admixed American, 0.0033%; no homozygotes.

Submission:

Labcorp Genetics (formerly Invitae), Labcorp
Classification: Uncertain significance. Last evaluated: 2025-09-17. Review status: criteria provided, single submitter. Criteria: Invitae Variant Classification Sherloc (09022015). Collection method: clinical testing. Allele origin: germline.
Comment: This sequence change replaces leucine, which is neutral and non-polar, with phenylalanine, which is neutral and non-polar, at codon 570 of the NFKB1 protein (p.Leu570Phe). This variant is not present in population databases (gnomAD no frequency). This variant has not been reported in the literature in individuals affected with NFKB1-related conditions. ClinVar contains an entry for this variant (Variation ID: 1499498). Invitae Evidence Modeling of protein sequence and biophysical properties (such as structural, functional, and spatial information, amino acid conservation, physicochemical variation, residue mobility, and thermodynamic stability) indicates that this missense variant is not expected to disrupt NFKB1 protein function with a negative predictive value of 80%. In summary, the available evidence is currently insufficient to determine the role of this variant in disease. Therefore, it has been classified as a Variant of Uncertain Significance.